The following is an entry in ClinVar:

ClinVar aggregate classification (germline): Uncertain significance (1 of 4 stars; one submission).

Conditions:
Singleton-Merten syndrome 1 (SGMRT1). Also called: Widened medullary cavities of bone, aortic calcification, abnormal dentition, and muscular weakness; Syndrome of widened medullary cavities of the metacarpals and phalanges, aortic calcification and abnormal dentition. Identifiers: Orphanet 85191, MedGen C4225427, MONDO:0024535, OMIM 182250.
Aicardi-Goutieres syndrome 7 (AGS7). Identifiers: Orphanet 51, MedGen C3888244, MONDO:0014367, OMIM 615846.

Allele frequency attached by ClinVar (database versions not stated): gnomAD exomes below 0.00001; TOPMed below 0.00001; ExAC 0.00001.
gnomAD v4.1: 2 of 1,612,868 alleles (0.00012%); highest among the groups gnomAD compares: Admixed American, 0.0017%; no homozygotes.

Submission:

Labcorp Genetics (formerly Invitae), Labcorp
Classification: Uncertain significance for Aicardi-Goutieres syndrome 7; Singleton-Merten syndrome 1. Last evaluated: 2022-03-04. Review status: criteria provided, single submitter. Criteria: Invitae Variant Classification Sherloc (09022015). Collection method: clinical testing. Allele origin: germline.
Comment: In summary, the available evidence is currently insufficient to determine the role of this variant in disease. Therefore, it has been classified as a Variant of Uncertain Significance. Algorithms developed to predict the effect of missense changes on protein structure and function (SIFT, PolyPhen-2, Align-GVGD) all suggest that this variant is likely to be tolerated. This variant has not been reported in the literature in individuals affected with IFIH1-related conditions. This variant is present in population databases (rs753514874, gnomAD 0.003%). This sequence change replaces isoleucine, which is neutral and non-polar, with valine, which is neutral and non-polar, at codon 984 of the IFIH1 protein (p.Ile984Val).

NM_022168.4(IFIH1):c.2950A>G (p.Ile984Val)

Gene: IFIH1 (interferon induced with helicase C domain 1; minus strand). Cytogenetic location: 2q24.2.
Variant type: single nucleotide variant.
Coding change: c.2950A>G on transcript NM_022168.4 (MANE Select); coding-DNA position 2950, A replaced by G.
Protein change: p.Ile984Val; replaces isoleucine 984 with valine.
Molecular consequence: missense variant.
Genome position (GRCh38, 1-based): chr2:162,267,328, T>C on the plus strand (A>G on the coding strand, the complement: IFIH1 is on the minus strand). VCF-style: chr2-162267328-T-C. GRCh37 (hg19) VCF-style: chr2-163123838-T-C.
Other names: short protein forms I984V.
Identifiers: ClinVar variation 1989453 (VCV001989453.4), dbSNP rs753514874, ClinGen allele CA1934011.